The following is an entry in ClinVar:

ClinVar aggregate classification (germline): Pathogenic (1 of 4 stars; one submission).

Conditions:
Hypotonic infant.

Submission:

North West Genomic Laboratory Hub, Manchester University NHS Foundation Trust
Classification: Pathogenic for Hypotonic infant. Last evaluated: 2026-03-12. Review status: criteria provided, single submitter. Criteria: ACGS Best Practice Guidelines for Variant Classification in Rare Disease 2024. Collection method: clinical testing. Allele origin: germline. Affected: yes.
Comment: PM2_Mod PVS1_VStr

NM_000540.3(RYR1):c.5804_5805del (p.Val1935fs)

Gene: RYR1 (ryanodine receptor 1; plus strand). Cytogenetic location: 19q13.2.
Variant type: Microsatellite.
Coding change: c.5804_5805del on transcript NM_000540.3 (MANE Select); coding-DNA positions 5804 to 5805, 2 bases deleted (TG; older notation c.5804_5805delTG).
Protein change: p.Val1935fs; shifts the reading frame from valine 1935.
Molecular consequence: frameshift variant.
Genome position (GRCh38, 1-based): chr19:38,489,433-38,489,434, TG deleted; deleting any 2 consecutive bases within chr19:38,489,431-38,489,434 gives the same sequence; the c. name uses the placement nearest the transcript's 3' end. VCF-style (leftmost placement, unchanged base first): chr19-38489430-CTG-C. GRCh37 (hg19) VCF-style: chr19-38980070-CTG-C.
Other names: c.5804_5805del, p.Val1935fs (NM_001042723.2); short protein forms V1935fs.
Identifiers: ClinVar variation 4871726 (VCV004871726.1).